The following is an entry in ClinVar:

ClinVar aggregate classification (germline): Benign/Likely benign. Review status: criteria provided, multiple submitters, no conflicts (2 of 4 stars). 7 submissions from 7 submitters: Benign (1); Likely benign (4). 2 of the submissions do not count toward it. Last evaluated 2025-09-20.

Conditions:
MYH6-related disorder. Also called: MYH6-Related Disorders; MYH6-related condition.
Cardiovascular phenotype. Identifiers: MedGen CN230736.
Hypertrophic cardiomyopathy 14. Identifiers: MedGen C2750467, MONDO:0013197, OMIM 613251.

Allele frequency attached by ClinVar (database versions not stated): gnomAD exomes 0.00005 and 0.00006; ExAC 0.00007; TOPMed 0.00007; gnomAD 0.00008 and 0.00009.
gnomAD v4.1: 82 of 1,614,090 alleles (0.0051%); highest among the groups gnomAD compares: African/African-American, 0.012%; no homozygotes.

Submissions (7):

Labcorp Genetics (formerly Invitae), Labcorp
Classification: Likely benign for Hypertrophic cardiomyopathy 14. Last evaluated: 2025-09-20. Review status: criteria provided, single submitter. Criteria: Invitae Variant Classification Sherloc (09022015). Collection method: clinical testing. Allele origin: germline.

PreventionGenetics, part of Exact Sciences
Classification: Likely benign for MYH6-related condition. Last evaluated: 2025-07-03. Review status: criteria provided, single submitter. Criteria: ACMG Guidelines, 2015. Collection method: clinical testing. Allele origin: germline.
Comment: This variant is classified as likely benign based on ACMG/AMP sequence variant interpretation guidelines (Richards et al. 2015 PMID: 25741868, with internal and published modifications).

Women's Health and Genetics/Laboratory Corporation of America, LabCorp
Classification: Benign. Last evaluated: 2021-02-22. Review status: criteria provided, single submitter. Criteria: LabCorp Variant Classification Summary - May 2015. Collection method: clinical testing. Allele origin: germline.

GeneDx
Classification: Likely benign. Last evaluated: 2018-05-24. Review status: criteria provided, single submitter. Criteria: GeneDx Variant Classification (06012015). Collection method: clinical testing. Allele origin: germline. Affected: yes.
Comment: This variant is considered likely benign or benign based on one or more of the following criteria: it is a conservative change, it occurs at a poorly conserved position in the protein, it is predicted to be benign by multiple in silico algorithms, and/or has population frequency not consistent with disease.

Ambry Genetics
Classification: Likely benign for Cardiovascular phenotype. Last evaluated: 2016-02-01. Review status: criteria provided, single submitter. Criteria: Ambry Variant Classification Scheme 2023. Collection method: clinical testing. Allele origin: germline.

Clinical Genetics DNA and cytogenetics Diagnostics Lab, Erasmus MC, Erasmus Medical Center
Classification: Likely benign. Review status: no assertion criteria provided. Collection method: clinical testing. Allele origin: germline. Affected: yes. Study: VKGL Data-share Consensus. Not counted in ClinVar's aggregate classification.

Joint Genome Diagnostic Labs from Nijmegen and Maastricht, Radboudumc and MUMC+
Classification: Likely benign. Review status: no assertion criteria provided. Collection method: clinical testing. Allele origin: germline. Affected: yes. Study: VKGL Data-share Consensus. Not counted in ClinVar's aggregate classification.

NM_002471.4(MYH6):c.1485C>T (p.Phe495=)

Gene: MYH6 (myosin heavy chain 6; minus strand). Cytogenetic location: 14q11.2.
Variant type: single nucleotide variant.
Coding change: c.1485C>T on transcript NM_002471.4 (MANE Select); coding-DNA position 1485, C replaced by T.
Protein change: p.Phe495=; no amino-acid change (phenylalanine 495 retained).
Molecular consequence: synonymous variant.
Genome position (GRCh38, 1-based): chr14:23,400,352, G>A on the plus strand (C>T on the coding strand, the complement: MYH6 is on the minus strand). VCF-style: chr14-23400352-G-A. GRCh37 (hg19) VCF-style: chr14-23869561-G-A.
Identifiers: ClinVar variation 470508 (VCV000470508.20), dbSNP rs181613656, ClinGen allele CA7115798.